The following is an entry in ClinVar:

NM_004991.4(MECOM):c.1954A>G (p.Thr652Ala)

Gene: MECOM (MDS1 and EVI1 complex locus; minus strand). Cytogenetic location: 3q26.2.
Variant type: single nucleotide variant.
Coding change: c.1954A>G on transcript NM_004991.4 (MANE Select); coding-DNA position 1954, A replaced by G.
Protein change: p.Thr652Ala; replaces threonine 652 with alanine.
Molecular consequence: missense variant. On other transcripts: intron variant (2).
Genome position (GRCh38, 1-based): chr3:169,115,918, T>C on the plus strand (A>G on the coding strand, the complement: MECOM is on the minus strand). VCF-style: chr3-169115918-T-C. GRCh37 (hg19) VCF-style: chr3-168833706-T-C.
Other names: c.1585A>G, p.Thr529Ala (NM_001105077.4); c.1390A>G, p.Thr464Ala (NM_001105078.4, NM_001164000.2, NM_001205194.2 and 4 more transcripts); c.1393A>G, p.Thr465Ala (NM_001163999.2, NM_001366467.2, NM_001366468.2 and 1 more transcripts); c.1954A>G, p.Thr652Ala (NM_001366466.2); c.1133-151A>G (NM_001366473.2); c.569-151A>G (NM_001366474.2); short protein forms T529A, T464A, T652A, T465A.
Identifiers: ClinVar variation 4053339 (VCV004053339.1).
Genomic context (GRCh38, chr3:169,115,918, plus strand): 5'-ATTTTTCAGCAATAGAAGCAATAGCCTTTATAGAATCATTCACAGCTCCTGACACCGCAG[T>C]CTGCTCCTCTAAAGATGGTGAGAAAATGGAATGATTGCTGTATTCTTTCTTATTATTTAT-3'
Protein context (NP_004982.2, residues 642-662): SIFSPSLEEQ[Thr652Ala]AVSGAVNDSI

ClinVar aggregate classification (germline): Uncertain significance (1 of 4 stars; one submission).

Conditions:
Inborn genetic diseases. Identifiers: MedGen C0950123, MeSH D030342.

Submission:

Ambry Genetics
Classification: Uncertain significance for Inborn genetic diseases. Last evaluated: 2025-06-12. Review status: criteria provided, single submitter. Criteria: Ambry Variant Classification Scheme 2023. Collection method: clinical testing. Allele origin: germline.
Comment: The p.T652A variant (also known as c.1954A>G), located in coding exon 8 of the MECOM gene, results from an A to G substitution at nucleotide position 1954. The threonine at codon 652 is replaced by alanine, an amino acid with similar properties. This amino acid position is conserved. In addition, this alteration is predicted to be tolerated by in silico analysis. Based on the available evidence, the clinical significance of this variant remains unclear.